The following is an entry in ClinVar:

NM_004239.4(TRIP11):c.604G>A (p.Gly202Arg)

Gene: TRIP11 (thyroid hormone receptor interactor 11; minus strand). Cytogenetic location: 14q32.12.
Variant type: single nucleotide variant.
Coding change: c.604G>A on transcript NM_004239.4 (MANE Select); coding-DNA position 604, G replaced by A.
Protein change: p.Gly202Arg; replaces glycine 202 with arginine.
Molecular consequence: missense variant.
Genome position (GRCh38, 1-based): chr14:92,017,735, C>T on the plus strand (G>A on the coding strand, the complement: TRIP11 is on the minus strand). VCF-style: chr14-92017735-C-T. GRCh37 (hg19) VCF-style: chr14-92484079-C-T.
Other names: c.601G>A, p.Gly201Arg (NM_001321851.1); short protein forms G201R, G202R.
Identifiers: ClinVar variation 2013639 (VCV002013639.4), dbSNP rs2543067771, ClinGen allele CA390665063.

ClinVar aggregate classification (germline): Uncertain significance (1 of 4 stars; one submission).

Conditions:
Achondrogenesis, type IA (ACG1A). Identifiers: Orphanet 932, Orphanet 93299, MedGen C0265273, MONDO:0008701, OMIM 200600.

Allele frequency attached by ClinVar (database versions not stated): gnomAD exomes below 0.00001.

Submission:

Labcorp Genetics (formerly Invitae), Labcorp
Classification: Uncertain significance for Achondrogenesis, type IA. Last evaluated: 2022-07-03. Review status: criteria provided, single submitter. Criteria: Invitae Variant Classification Sherloc (09022015). Collection method: clinical testing. Allele origin: germline.
Comment: This sequence change replaces glycine, which is neutral and non-polar, with arginine, which is basic and polar, at codon 202 of the TRIP11 protein (p.Gly202Arg). This variant is not present in population databases (gnomAD no frequency). This variant has not been reported in the literature in individuals affected with TRIP11-related conditions. Algorithms developed to predict the effect of missense changes on protein structure and function are either unavailable or do not agree on the potential impact of this missense change (SIFT: "Not Available"; PolyPhen-2: "Probably Damaging"; Align-GVGD: "Not Available"). In summary, the available evidence is currently insufficient to determine the role of this variant in disease. Therefore, it has been classified as a Variant of Uncertain Significance.